The following is an entry in ClinVar:

ClinVar aggregate classification (germline): Uncertain significance (1 of 4 stars; one submission).

Conditions:
Hereditary pancreatitis (PCTT). Also called: Hereditary chronic pancreatitis; PRSS1-Related Hereditary Pancreatitis. Identifiers: Orphanet 676, MedGen C0238339, MONDO:0008185, OMIM 167800.

Submission:

Ambry Genetics
Classification: Uncertain significance for Hereditary pancreatitis. Last evaluated: 2025-07-16. Review status: criteria provided, single submitter. Criteria: Ambry Variant Classification Scheme 2023. Collection method: clinical testing. Allele origin: germline.
Comment: The p.G202D variant (also known as c.605G>A), located in coding exon 5 of the PRSS1 gene, results from a G to A substitution at nucleotide position 605. The glycine at codon 202 is replaced by aspartic acid, an amino acid with similar properties. This amino acid position is conserved. In addition, this alteration is predicted to be deleterious by in silico analysis. Based on the available evidence, the clinical significance of this variant remains unclear.

NM_002769.5(PRSS1):c.605G>A (p.Gly202Asp)

Genes: PRSS1 (serine protease 1; plus strand), TRB (T cell receptor beta locus; plus strand). Cytogenetic location: 7q34.
Variant type: single nucleotide variant.
Coding change: c.605G>A on transcript NM_002769.5 (MANE Select); coding-DNA position 605, G replaced by A.
Protein change: p.Gly202Asp; replaces glycine 202 with aspartic acid.
Molecular consequence: missense variant. On other transcripts: non-coding transcript variant (5).
Genome position (GRCh38, 1-based): chr7:142,752,881, G>A. VCF-style: chr7-142752881-G-A. GRCh37 (hg19) VCF-style: chr7-142460732-G-A.
Other names: short protein forms G202D.
Identifiers: ClinVar variation 4145697 (VCV004145697.1).
Genomic context (GRCh38, chr7:142,752,881, plus strand): 5'-TATTCCTCCTCCATCTCTCCATACAACTTGTCCCTTCTTCCCCCCAGGGTGATTCTGGTG[G>A]CCCTGTGGTCTGCAATGGACAGCTCCAAGGAGTTGTCTCCTGGGGTGATGGCTGTGCCCA-3'
Protein context (NP_002760.1, residues 192-212): GKDSCQGDSG[Gly202Asp]PVVCNGQLQG